The following is an entry in ClinVar:

NM_001009944.3(PKD1):c.4654del (p.Val1552fs)

Gene: PKD1 (polycystin 1, transient receptor potential channel interacting; minus strand). Cytogenetic location: 16p13.3.
Variant type: Deletion.
Coding change: c.4654del on transcript NM_001009944.3 (MANE Select); coding-DNA position 4654, one base deleted (G; older notation c.4654delG).
Protein change: p.Val1552fs; shifts the reading frame from valine 1552.
Molecular consequence: frameshift variant.
Genome position (GRCh38, 1-based): chr16:2,110,513, C deleted on the plus strand (G on the coding strand, the reverse complement: PKD1 is on the minus strand). VCF-style (leftmost placement, unchanged base first): chr16-2110512-AC-A. GRCh37 (hg19) VCF-style: chr16-2160513-AC-A.
Other names: c.4654delG (NM_001009944.3); c.4654del, p.Val1552fs (NM_000296.4); short protein forms V1552fs.
Identifiers: ClinVar variation 873362 (VCV000873362.2), dbSNP rs2047525622, ClinGen allele CA1139664341.
Genomic context (GRCh38, chr16:2,110,512, plus strand): 5'-AGCGACGTGCTGAAGCTCACGCTCCCATTCAGGGGCACCACCGTGCGGCTTGCATTGACG[AC>A]GAGCCCCCGCACGCGCCGCTTCACCGTCACATTGAGCCAGGCCTCGCTGCGGCTCACCTC-3'

ClinVar aggregate classification (germline): Pathogenic. Review status: criteria provided, multiple submitters, no conflicts (2 of 4 stars). 2 submissions from 2 submitters: Pathogenic (2). Last evaluated 2021-07-15.

Conditions:
Polycystic kidney disease, adult type (PKD1). Also called: POLYCYSTIC KIDNEY DISEASE 1 WITH OR WITHOUT POLYCYSTIC LIVER DISEASE; Polycystic Kidney Disease 1, Autosomal Dominant; Polycystic kidney disease 1; Polycystic kidney disease 1, severe; Polycystic Kidney, Autosomal Dominant; POLYCYSTIC KIDNEY DISEASE, ADULT, TYPE I. Identifiers: MedGen C3149841, MONDO:0008263, OMIM 173900.

Submissions (2):

Fulgent Genetics
Classification: Pathogenic for Polycystic kidney disease, adult type. Last evaluated: 2021-07-15. Review status: criteria provided, single submitter. Criteria: ACMG Guidelines, 2015. Collection method: clinical testing. Allele origin: unknown.

Cavalleri Lab, Royal College of Surgeons in Ireland
Classification: Pathogenic for Polycystic kidney disease, adult type. Last evaluated: 2020-02-05. Review status: criteria provided, single submitter. Criteria: ACMG Guidelines, 2015. Collection method: research. Allele origin: unknown. Inheritance: Autosomal dominant inheritance. Affected: yes.
Comment: PVS1, PM2, PP4